The following is an entry in ClinVar:

NM_001235.5(SERPINH1):c.1223G>A (p.Arg408Gln)

Gene: SERPINH1 (serpin family H member 1; plus strand). Cytogenetic location: 11q13.5.
Variant type: single nucleotide variant.
Coding change: c.1223G>A on transcript NM_001235.5 (MANE Select); coding-DNA position 1223, G replaced by A.
Protein change: p.Arg408Gln; replaces arginine 408 with glutamine.
Molecular consequence: missense variant.
Genome position (GRCh38, 1-based): chr11:75,572,049, G>A. VCF-style: chr11-75572049-G-A. GRCh37 (hg19) VCF-style: chr11-75283094-G-A.
Other names: c.1223G>A, p.Arg408Gln (NM_001207014.3); c.1223G>A (NM_001235.3); short protein forms R408Q.
Identifiers: ClinVar variation 1429466 (VCV001429466.32), dbSNP rs371699925, ClinGen allele CA6191053.

ClinVar aggregate classification (germline): Uncertain significance. Review status: criteria provided, multiple submitters, no conflicts (2 of 4 stars). 3 submissions from 3 submitters: Uncertain significance (3). Last evaluated 2024-12-02.

Conditions:
Inborn genetic diseases. Identifiers: MedGen C0950123, MeSH D030342.

Allele frequency attached by ClinVar (database versions not stated): gnomAD 0.00001; ExAC 0.00002; gnomAD exomes 0.00002 and 0.00004; TOPMed 0.00004; ESP Exome Variant Server 0.00008.

Submissions (3):

Labcorp Genetics (formerly Invitae), Labcorp
Classification: Uncertain significance. Last evaluated: 2024-12-02. Review status: criteria provided, single submitter. Criteria: Invitae Variant Classification Sherloc (09022015). Collection method: clinical testing. Allele origin: germline.
Comment: This sequence change replaces arginine, which is basic and polar, with glutamine, which is neutral and polar, at codon 408 of the SERPINH1 protein (p.Arg408Gln). This variant is present in population databases (rs371699925, gnomAD 0.01%). This variant has not been reported in the literature in individuals affected with SERPINH1-related conditions. ClinVar contains an entry for this variant (Variation ID: 1429466). Invitae Evidence Modeling of protein sequence and biophysical properties (such as structural, functional, and spatial information, amino acid conservation, physicochemical variation, residue mobility, and thermodynamic stability) indicates that this missense variant is not expected to disrupt SERPINH1 protein function with a negative predictive value of 80%. In summary, the available evidence is currently insufficient to determine the role of this variant in disease. Therefore, it has been classified as a Variant of Uncertain Significance.

Ambry Genetics
Classification: Uncertain significance for Inborn genetic diseases. Last evaluated: 2023-12-12. Review status: criteria provided, single submitter. Criteria: Ambry Variant Classification Scheme 2023. Collection method: clinical testing. Allele origin: germline.

CeGaT Center for Human Genetics Tuebingen
Classification: Uncertain significance. Last evaluated: 2023-01-01. Review status: criteria provided, single submitter. Criteria: CeGaT Center For Human Genetics Tuebingen Variant Classification Criteria Version 2. Collection method: clinical testing. Allele origin: germline. Affected: yes. Observed: 1 variant allele.
Comment: SERPINH1: PM2